The following is an entry in ClinVar:

ClinVar aggregate classification (germline): Pathogenic. Review status: criteria provided, multiple submitters, no conflicts (2 of 4 stars). 2 submissions from 2 submitters: Pathogenic (2). Last evaluated 2023-06-17.

Conditions:
Retinoblastoma (RB1). Also called: RETINOBLASTOMA, SOMATIC. Identifiers: Orphanet 790, MedGen C0035335, MeSH D012175, MONDO:0008380, OMIM 180200, HP:0009919. Disease mechanism: loss of function. Inheritance: Both sporadic and heritable forms are tested..

Submissions (2):

Labcorp Genetics (formerly Invitae), Labcorp
Classification: Pathogenic for Retinoblastoma. Last evaluated: 2023-06-17. Review status: criteria provided, single submitter. Criteria: Invitae Variant Classification Sherloc (09022015). Collection method: clinical testing. Allele origin: germline.
Comment: This sequence change affects an acceptor splice site in intron 19 of the RB1 gene. It is expected to disrupt RNA splicing. Variants that disrupt the donor or acceptor splice site typically lead to a loss of protein function (PMID: 16199547), and loss-of-function variants in RB1 are known to be pathogenic (PMID: 17096365). This variant is not present in population databases (gnomAD no frequency). Disruption of this splice site has been observed in individual(s) with retinoblastoma (PMID: 12541220, 25754945, 30636860). This variant is also known as 2099-1G-T. ClinVar contains an entry for this variant (Variation ID: 930927). RNA analysis provides insufficient evidence to determine the effect of this variant on RB1 splicing (Invitae). For these reasons, this variant has been classified as Pathogenic.

Centre for Mendelian Genomics, University Medical Centre Ljubljana
Classification: Pathogenic for Retinoblastoma. Last evaluated: 2018-10-22. Review status: criteria provided, single submitter. Criteria: ACMG Guidelines, 2015. Collection method: clinical testing. Allele origin: unknown. Affected: yes.
Comment: This variant was classified as: Pathogenic. The following ACMG criteria were applied in classifying this variant: PVS1,PM2,PP3.

Literature cited by the submitters: PubMed 16199547 (cited by Labcorp Genetics (formerly Invitae), Labcorp); PubMed 17096365 (cited by Labcorp Genetics (formerly Invitae), Labcorp); PubMed 12541220 (cited by Labcorp Genetics (formerly Invitae), Labcorp); PubMed 25754945 (cited by Labcorp Genetics (formerly Invitae), Labcorp); PubMed 30636860 (cited by Labcorp Genetics (formerly Invitae), Labcorp).

NM_000321.3(RB1):c.1961-1G>T

Gene: RB1 (RB transcriptional corepressor 1; plus strand). Cytogenetic location: 13q14.2.
Variant type: single nucleotide variant.
Coding change: c.1961-1G>T on transcript NM_000321.3 (MANE Select); the canonical splice acceptor site of the intron before coding-DNA position 1961, G replaced by T.
Molecular consequence: splice acceptor variant.
Genome position (GRCh38, 1-based): chr13:48,459,687, G>T. VCF-style: chr13-48459687-G-T. GRCh37 (hg19) VCF-style: chr13-49033823-G-T.
Other names: c.1961-1G>T (NM_001407165.1).
Identifiers: ClinVar variation 930927 (VCV000930927.6), dbSNP rs1949383286, ClinGen allele CA388166671.